The following is an entry in ClinVar:

NM_007348.4(ATF6):c.1549G>A (p.Gly517Ser)

Gene: ATF6 (activating transcription factor 6; plus strand). Cytogenetic location: 1q23.3.
Variant type: single nucleotide variant.
Coding change: c.1549G>A on transcript NM_007348.4 (MANE Select); coding-DNA position 1549, G replaced by A.
Protein change: p.Gly517Ser; replaces glycine 517 with serine.
Molecular consequence: missense variant.
Genome position (GRCh38, 1-based): chr1:161,860,222, G>A. VCF-style: chr1-161860222-G-A. GRCh37 (hg19) VCF-style: chr1-161830012-G-A.
Other names: short protein forms G517S.
Identifiers: ClinVar variation 1353920 (VCV001353920.8), dbSNP rs2101835681, ClinGen allele CA343382555.

ClinVar aggregate classification (germline): Uncertain significance (1 of 4 stars; one submission).

Submission:

Labcorp Genetics (formerly Invitae), Labcorp
Classification: Uncertain significance. Last evaluated: 2022-08-23. Review status: criteria provided, single submitter. Criteria: Invitae Variant Classification Sherloc (09022015). Collection method: clinical testing. Allele origin: germline.
Comment: In summary, the available evidence is currently insufficient to determine the role of this variant in disease. Therefore, it has been classified as a Variant of Uncertain Significance. Algorithms developed to predict the effect of missense changes on protein structure and function output the following: SIFT: "Tolerated"; PolyPhen-2: "Benign"; Align-GVGD: "Class C0". The serine amino acid residue is found in multiple mammalian species, which suggests that this missense change does not adversely affect protein function. ClinVar contains an entry for this variant (Variation ID: 1353920). This variant has not been reported in the literature in individuals affected with ATF6-related conditions. This variant is not present in population databases (gnomAD no frequency). This sequence change replaces glycine, which is neutral and non-polar, with serine, which is neutral and polar, at codon 517 of the ATF6 protein (p.Gly517Ser).